The following is an entry in ClinVar:

ClinVar aggregate classification (germline): Likely pathogenic (1 of 4 stars; one submission).

gnomAD v4.1: 1 of 1,472,424 alleles (0.000068%); highest among the groups gnomAD compares: Non-Finnish European, 0.000092%; no homozygotes.

Submission:

CeGaT Center for Human Genetics Tuebingen
Classification: Likely pathogenic. Last evaluated: 2024-05-01. Review status: criteria provided, single submitter. Criteria: CeGaT Center For Human Genetics Tuebingen Variant Classification Criteria Version 2. Collection method: clinical testing. Allele origin: germline. Affected: yes. Observed: 1 variant allele.
Comment: GREB1L: PVS1, PM2:Supporting

NM_001142966.3(GREB1L):c.3925C>T (p.Arg1309Ter)

Gene: GREB1L (GREB1 like retinoic acid receptor coactivator; plus strand). Cytogenetic location: 18q11.2.
Variant type: single nucleotide variant.
Coding change: c.3925C>T on transcript NM_001142966.3 (MANE Select); coding-DNA position 3925, C replaced by T.
Protein change: p.Arg1309Ter; replaces arginine 1309 with a stop codon.
Molecular consequence: nonsense.
Genome position (GRCh38, 1-based): chr18:21,500,262, C>T. VCF-style: chr18-21500262-C-T. GRCh37 (hg19) VCF-style: chr18-19080223-C-T.
Other names: c.4054C>T, p.Arg1352Ter (NM_001410867.1); c.3598C>T, p.Arg1200Ter (NM_001410868.1); short protein forms R1200*, R1309*, R1352*.
Identifiers: ClinVar variation 3239616 (VCV003239616.19), dbSNP rs1247904060.